The following is an entry in ClinVar:

ClinVar aggregate classification (germline): Likely benign. Review status: criteria provided, multiple submitters, no conflicts (2 of 4 stars). 2 submissions from 2 submitters: Likely benign (2). Last evaluated 2025-11-07.

Conditions:
ADGRV1-related disorder. Also called: ADGRV1-related condition; ADGRV1-related disorders.

Allele frequency attached by ClinVar (database versions not stated): gnomAD exomes below 0.00001; TOPMed 0.00001.
gnomAD v4.1: 2 of 1,613,984 alleles (0.00012%); highest among the groups gnomAD compares: Non-Finnish European, 0.00017%; no homozygotes.

Submissions (2):

PreventionGenetics, part of Exact Sciences
Classification: Likely benign for ADGRV1-related condition. Last evaluated: 2025-11-07. Review status: criteria provided, single submitter. Criteria: ACMG Guidelines, 2015. Collection method: clinical testing. Allele origin: germline.
Comment: This variant is classified as likely benign based on ACMG/AMP sequence variant interpretation guidelines (Richards et al. 2015 PMID: 25741868, with internal and published modifications).

Labcorp Genetics (formerly Invitae), Labcorp
Classification: Likely benign. Last evaluated: 2025-03-04. Review status: criteria provided, single submitter. Criteria: Invitae Variant Classification Sherloc (09022015). Collection method: clinical testing. Allele origin: germline.

NM_032119.4(ADGRV1):c.3786T>C (p.Asp1262=)

Gene: ADGRV1 (adhesion G protein-coupled receptor V1; plus strand). Cytogenetic location: 5q14.3.
Variant type: single nucleotide variant.
Coding change: c.3786T>C on transcript NM_032119.4 (MANE Select); coding-DNA position 3786, T replaced by C.
Protein change: p.Asp1262=; no amino-acid change (aspartic acid 1262 retained).
Molecular consequence: synonymous variant. On other transcripts: non-coding transcript variant (1).
Genome position (GRCh38, 1-based): chr5:90,653,360, T>C. VCF-style: chr5-90653360-T-C. GRCh37 (hg19) VCF-style: chr5-89949177-T-C.
Other names: c.3786T>C (NM_032119.3).
Identifiers: ClinVar variation 1531430 (VCV001531430.9), dbSNP rs1254496426, ClinGen allele CA445465709.